The following is an entry in ClinVar:

NM_004727.3(SLC24A1):c.1351C>T (p.Arg451Trp)

Gene: SLC24A1 (solute carrier family 24 member 1; plus strand). Cytogenetic location: 15q22.31.
Variant type: single nucleotide variant.
Coding change: c.1351C>T on transcript NM_004727.3 (MANE Select); coding-DNA position 1351, C replaced by T.
Protein change: p.Arg451Trp; replaces arginine 451 with tryptophan.
Molecular consequence: missense variant.
Genome position (GRCh38, 1-based): chr15:65,625,431, C>T. VCF-style: chr15-65625431-C-T. GRCh37 (hg19) VCF-style: chr15-65917769-C-T.
Other names: c.1351C>T, p.Arg451Trp (NM_001301031.1, NM_001301032.1, NM_001301033.2 and 1 more transcripts); short protein forms R451W.
Identifiers: ClinVar variation 1976654 (VCV001976654.5), dbSNP rs1278247464, ClinGen allele CA392917276.

ClinVar aggregate classification (germline): Uncertain significance (1 of 4 stars; one submission).

Allele frequency attached by ClinVar (database versions not stated): TOPMed 0.00001.
gnomAD v4.1: 7 of 1,614,052 alleles (0.00043%); highest among the groups gnomAD compares: Admixed American, 0.0017%; no homozygotes.

Submission:

Labcorp Genetics (formerly Invitae), Labcorp
Classification: Uncertain significance. Last evaluated: 2024-10-31. Review status: criteria provided, single submitter. Criteria: Invitae Variant Classification Sherloc (09022015). Collection method: clinical testing. Allele origin: germline.
Comment: This sequence change replaces arginine, which is basic and polar, with tryptophan, which is neutral and slightly polar, at codon 451 of the SLC24A1 protein (p.Arg451Trp). This variant is not present in population databases (gnomAD no frequency). This variant has not been reported in the literature in individuals affected with SLC24A1-related conditions. ClinVar contains an entry for this variant (Variation ID: 1976654). An algorithm developed to predict the effect of missense changes on protein structure and function (PolyPhen-2) suggests that this variant is likely to be disruptive. In summary, the available evidence is currently insufficient to determine the role of this variant in disease. Therefore, it has been classified as a Variant of Uncertain Significance.